The following is an entry in ClinVar:

ClinVar aggregate classification (germline): Likely benign. Review status: criteria provided, single submitter (1 of 4 stars). 2 submissions from 2 submitters: Likely benign (1). 1 of the submissions does not count toward it. Last evaluated 2025-12-26.

Conditions:
RUNX2-related disorder. Also called: RUNX2-related condition.

Allele frequency attached by ClinVar (database versions not stated): gnomAD exomes 0.00006; ExAC 0.00007; gnomAD 0.00022 and 0.00024; TOPMed 0.00051.
gnomAD v4.1: 67 of 1,613,922 alleles (0.0042%); highest among the groups gnomAD compares: Admixed American, 0.092%; no homozygotes.

Submissions (2):

Labcorp Genetics (formerly Invitae), Labcorp
Classification: Likely benign. Last evaluated: 2025-12-26. Review status: criteria provided, single submitter. Criteria: Invitae Variant Classification Sherloc (09022015). Collection method: clinical testing. Allele origin: germline.

PreventionGenetics, part of Exact Sciences
Classification: Likely benign for RUNX2-related condition. Last evaluated: 2019-06-17. Review status: no assertion criteria provided. Collection method: clinical testing. Allele origin: germline. Not counted in ClinVar's aggregate classification.
Comment: This variant is classified as likely benign based on ACMG/AMP sequence variant interpretation guidelines (Richards et al. 2015 PMID: 25741868, with internal and published modifications).

NM_001024630.4(RUNX2):c.972A>T (p.Thr324=)

Gene: RUNX2 (RUNX family transcription factor 2; plus strand). Cytogenetic location: 6p21.1.
Variant type: single nucleotide variant.
Coding change: c.972A>T on transcript NM_001024630.4 (MANE Select); coding-DNA position 972, A replaced by T.
Protein change: p.Thr324=; no amino-acid change (threonine 324 retained).
Molecular consequence: synonymous variant.
Genome position (GRCh38, 1-based): chr6:45,512,358, A>T. VCF-style: chr6-45512358-A-T. GRCh37 (hg19) VCF-style: chr6-45480095-A-T.
Other names: c.972A>T (NM_001024630.3); c.972A>T, p.Thr324= (NM_001015051.4); c.930A>T, p.Thr310= (NM_001278478.2, NM_001369405.1).
Identifiers: ClinVar variation 1139972 (VCV001139972.11), dbSNP rs757437094, ClinGen allele CA3836538.